The following is an entry in ClinVar:

NM_014855.3(AP5Z1):c.1096G>T (p.Val366Leu)

Gene: AP5Z1 (adaptor related protein complex 5 subunit zeta 1; plus strand). Cytogenetic location: 7p22.1.
Variant type: single nucleotide variant.
Coding change: c.1096G>T on transcript NM_014855.3 (MANE Select); coding-DNA position 1096, G replaced by T.
Protein change: p.Val366Leu; replaces valine 366 with leucine.
Molecular consequence: missense variant. On other transcripts: non-coding transcript variant (1).
Genome position (GRCh38, 1-based): chr7:4,785,648, G>T. VCF-style: chr7-4785648-G-T. GRCh37 (hg19) VCF-style: chr7-4825279-G-T.
Other names: c.628G>T, p.Val210Leu (NM_001364858.1); short protein forms V366L, V210L.
Identifiers: ClinVar variation 2155913 (VCV002155913.4), dbSNP rs765691875, ClinGen allele CA4137598.

ClinVar aggregate classification (germline): Uncertain significance (1 of 4 stars; one submission).

Conditions:
Hereditary spastic paraplegia 48. Also called: SPASTIC PARAPLEGIA 48, AUTOSOMAL RECESSIVE; Spastic paraplegia 48. Identifiers: Orphanet 306511, MedGen C3150901, MONDO:0013342, OMIM 613647.

Allele frequency attached by ClinVar (database versions not stated): gnomAD 0.00002; TOPMed 0.00003.
gnomAD v4.1: 18 of 1,559,004 alleles (0.0012%); highest among the groups gnomAD compares: African/African-American, 0.0027%; no homozygotes.

Submission:

Labcorp Genetics (formerly Invitae), Labcorp
Classification: Uncertain significance for Hereditary spastic paraplegia 48. Last evaluated: 2023-01-17. Review status: criteria provided, single submitter. Criteria: Invitae Variant Classification Sherloc (09022015). Collection method: clinical testing. Allele origin: germline.
Comment: The frequency data for this variant in the population databases is considered unreliable, as metrics indicate poor data quality at this position in the gnomAD database. In summary, the available evidence is currently insufficient to determine the role of this variant in disease. Therefore, it has been classified as a Variant of Uncertain Significance. Advanced modeling of protein sequence and biophysical properties (such as structural, functional, and spatial information, amino acid conservation, physicochemical variation, residue mobility, and thermodynamic stability) performed at Invitae indicates that this missense variant is not expected to disrupt AP5Z1 protein function. This variant has not been reported in the literature in individuals affected with AP5Z1-related conditions. This sequence change replaces valine, which is neutral and non-polar, with leucine, which is neutral and non-polar, at codon 366 of the AP5Z1 protein (p.Val366Leu).